The following is an entry in ClinVar:

NM_001330260.2(SCN8A):c.4088T>C (p.Ile1363Thr)

Gene: SCN8A (sodium voltage-gated channel alpha subunit 8; plus strand). Cytogenetic location: 12q13.13.
Variant type: single nucleotide variant.
Coding change: c.4088T>C on transcript NM_001330260.2 (MANE Select); coding-DNA position 4088, T replaced by C.
Protein change: p.Ile1363Thr; replaces isoleucine 1363 with threonine.
Molecular consequence: missense variant.
Genome position (GRCh38, 1-based): chr12:51,786,687, T>C. VCF-style: chr12-51786687-T-C. GRCh37 (hg19) VCF-style: chr12-52180471-T-C.
Other names: c.4088T>C (NM_014191.3); c.3965T>C, p.Ile1322Thr (NM_001177984.3, NM_001369788.1); c.4088T>C, p.Ile1363Thr (NM_014191.4); short protein forms I1322T, I1363T.
Identifiers: ClinVar variation 1487823 (VCV001487823.9), dbSNP rs1229965891, ClinGen allele CA384905550.

ClinVar aggregate classification (germline): Uncertain significance. Review status: criteria provided, single submitter (1 of 4 stars). 2 submissions from 2 submitters: Uncertain significance (1). 1 of the submissions does not count toward it. Last evaluated 2024-07-09.

Conditions:
Early-infantile DEE. Also called: Early infantile epileptic encephalopathy; Early infantile epileptic encephalopathy with suppression bursts; Ohtahara syndrome. Identifiers: Orphanet 1934, MedGen C0393706, MONDO:0800491.
SCN8A-related disorder.

Allele frequency attached by ClinVar (database versions not stated): TOPMed below 0.00001; gnomAD exomes 0.00001.
gnomAD v4.1: 17 of 1,613,996 alleles (0.0011%); highest among the groups gnomAD compares: Non-Finnish European, 0.0014%; no homozygotes.

Submissions (2):

Labcorp Genetics (formerly Invitae), Labcorp
Classification: Uncertain significance for Early-infantile DEE. Last evaluated: 2024-07-09. Review status: criteria provided, single submitter. Criteria: Invitae Variant Classification Sherloc (09022015). Collection method: clinical testing. Allele origin: germline.
Comment: This sequence change replaces isoleucine, which is neutral and non-polar, with threonine, which is neutral and polar, at codon 1363 of the SCN8A protein (p.Ile1363Thr). This variant is not present in population databases (gnomAD no frequency). This variant has not been reported in the literature in individuals affected with SCN8A-related conditions. ClinVar contains an entry for this variant (Variation ID: 1487823). Advanced modeling of protein sequence and biophysical properties (such as structural, functional, and spatial information, amino acid conservation, physicochemical variation, residue mobility, and thermodynamic stability) performed at Invitae indicates that this missense variant is not expected to disrupt SCN8A protein function with a negative predictive value of 95%. In summary, the available evidence is currently insufficient to determine the role of this variant in disease. Therefore, it has been classified as a Variant of Uncertain Significance.

PreventionGenetics, part of Exact Sciences
Classification: Uncertain significance for SCN8A-related condition. Last evaluated: 2024-02-15. Review status: no assertion criteria provided. Collection method: clinical testing. Allele origin: germline. Not counted in ClinVar's aggregate classification.
Comment: The SCN8A c.4088T>C variant is predicted to result in the amino acid substitution p.Ile1363Thr. To our knowledge, this variant has not been reported in the literature or in a large population database, indicating this variant is rare. At this time, the clinical significance of this variant is uncertain due to the absence of conclusive functional and genetic evidence.